The following is an entry in ClinVar:

NM_001367873.1(SOX6):c.2167_2168dup (p.Gln723fs)

Gene: SOX6 (SRY-box transcription factor 6; minus strand). Cytogenetic location: 11p15.2.
Variant type: Duplication.
Coding change: c.2167_2168dup on transcript NM_001367873.1 (MANE Select); coding-DNA positions 2167 to 2168, 2 bases duplicated (CA; older notation c.2167_2168dupCA).
Protein change: p.Gln723fs; shifts the reading frame from glutamine 723.
Molecular consequence: frameshift variant.
Genome position (GRCh38, 1-based): chr11:15,986,219-15,986,220, TG duplicated on the plus strand (CA on the coding strand, the reverse complement: SOX6 is on the minus strand). VCF-style (leftmost placement, unchanged base first): chr11-15986218-C-CTG. GRCh37 (hg19) VCF-style: chr11-16007764-C-CTG.
Other names: c.2086_2087dup, p.Gln696fs (NM_001145811.2, NM_017508.3); c.2167_2168dup, p.Gln723fs (NM_001145819.2); c.2044_2045dup, p.Gln682fs (NM_001367872.1); c.2107_2108dup, p.Gln703fs (NM_033326.3); short protein forms Q682fs, Q696fs, Q703fs, Q723fs.
Identifiers: ClinVar variation 3367835 (VCV003367835.1).
Genomic context (GRCh38, chr11:15,986,218, plus strand): 5'-TTACCGCAAAAGTAAAGCCCAGGTGGCTAAATTCAGGAATACTTACCCCACAGTAAAGAA[C>CTG]TGCCTCATCTCCTGTCTCCGAGACCTCATCAGTTGCTTATACTCCCCAATCCGAAGCTTT-3'

ClinVar aggregate classification (germline): Uncertain significance (1 of 4 stars; one submission).

Submission:

GeneDx
Classification: Uncertain significance. Last evaluated: 2024-01-10. Review status: criteria provided, single submitter. Criteria: GeneDx Variant Classification Process June 2021. Collection method: clinical testing. Allele origin: germline. Affected: yes.
Comment: Not observed at significant frequency in large population cohorts (gnomAD); Frameshift variant predicted to result in abnormal protein length as the last 106 amino acids are replaced with 36 different amino acids; Has not been previously published as pathogenic or benign to our knowledge